The following is an entry in ClinVar:

NM_170682.4(P2RX2):c.947C>T (p.Thr316Met)

Gene: P2RX2 (purinergic receptor P2X 2; plus strand). Cytogenetic location: 12q24.33.
Variant type: single nucleotide variant.
Coding change: c.947C>T on transcript NM_170682.4 (MANE Select); coding-DNA position 947, C replaced by T.
Protein change: p.Thr316Met; replaces threonine 316 with methionine.
Molecular consequence: missense variant.
Genome position (GRCh38, 1-based): chr12:132,621,296, C>T. VCF-style: chr12-132621296-C-T. GRCh37 (hg19) VCF-style: chr12-133197882-C-T.
Other names: c.845C>T, p.Thr282Met (NM_001282164.2); c.947C>T, p.Thr316Met (NM_001282165.2, NM_170683.4, NM_174873.3); c.731C>T, p.Thr244Met (NM_012226.5); c.875C>T, p.Thr292Met (NM_016318.4); c.671C>T, p.Thr224Met (NM_174872.3); short protein forms T244M, T316M, T224M, T282M, T292M.
Identifiers: ClinVar variation 501580 (VCV000501580.16), dbSNP rs150293706, ClinGen allele CA6891734.

ClinVar aggregate classification (germline): Conflicting classifications of pathogenicity. Review status: criteria provided, conflicting classifications (1 of 4 stars). 4 submissions from 4 submitters: Uncertain significance (1); Likely benign (3). Last evaluated 2026-06-25.

Conditions:
P2RX2-related disorder. Also called: P2RX2-related condition.

Allele frequency attached by ClinVar (database versions not stated): gnomAD exomes 0.00006 and 0.00015; ExAC 0.00022; gnomAD 0.00039 and 0.00044; TOPMed 0.00044; ESP Exome Variant Server 0.00085.

Submissions (4):

Women's Health and Genetics/Laboratory Corporation of America, LabCorp
Classification: Likely benign. Last evaluated: 2026-06-25. Review status: criteria provided, single submitter. Criteria: LabCorp Variant Classification Summary - May 2015. Collection method: clinical testing. Allele origin: germline.
Comment: Variant summary: P2RX2 c.947C>T (p.Thr316Met) results in a non-conservative amino acid change in the encoded protein sequence. Algorithms developed to predict the effect of missense changes on protein structure and function are either unavailable or do not agree on the potential impact of this missense change. The variant allele was found at a frequency of 0.00015 in 251366 control chromosomes, predominantly at a frequency of 0.0015 within the African or African-American subpopulation in the gnomAD database. The observed variant frequency within African or African-American control individuals in the gnomAD database exceeds the estimated maximal expected allele frequency for disease-causing variants in P2RX2. To our knowledge, no occurrence of c.947C>T in individuals affected with P2RX2-related conditions and no experimental evidence demonstrating its impact on protein function have been reported. ClinVar contains an entry for this variant (Variation ID: 501580). Based on the evidence outlined above, the variant was classified as likely benign.

Labcorp Genetics (formerly Invitae), Labcorp
Classification: Likely benign. Last evaluated: 2025-10-05. Review status: criteria provided, single submitter. Criteria: Invitae Variant Classification Sherloc (09022015). Collection method: clinical testing. Allele origin: germline.

PreventionGenetics, part of Exact Sciences
Classification: Likely benign for P2RX2-related condition. Last evaluated: 2024-11-17. Review status: criteria provided, single submitter. Criteria: ACMG Guidelines, 2015. Collection method: clinical testing. Allele origin: germline.
Comment: This variant is classified as likely benign based on ACMG/AMP sequence variant interpretation guidelines (Richards et al. 2015 PMID: 25741868, with internal and published modifications).

Eurofins Ntd Llc (ga)
Classification: Uncertain significance. Last evaluated: 2017-04-27. Review status: criteria provided, single submitter. Criteria: EGL Classification Definitions 2015. Collection method: clinical testing. Allele origin: germline. Observed: 1 variant allele, 1 heterozygote.